The following is an entry in ClinVar:

ClinVar aggregate classification (germline): Benign/Likely benign. Review status: criteria provided, multiple submitters, no conflicts (2 of 4 stars). 4 submissions from 4 submitters: Benign (1); Likely benign (2). 1 of the submissions does not count toward it. Last evaluated 2026-01-28.

Conditions:
SETBP1-related disorder. Also called: SETBP1-related condition; SETBP1-related disorders.

Allele frequency attached by ClinVar (database versions not stated): gnomAD exomes 0.00032; ExAC 0.00040; 1000 Genomes Project 0.00080; 1000 Genomes Project 30x 0.00094; gnomAD 0.00118 and 0.00135; TOPMed 0.00156; ESP Exome Variant Server 0.00162.
gnomAD v4.1: 361 of 1,614,118 alleles (0.022%); highest among the groups gnomAD compares: African/African-American, 0.39%; 2 homozygotes.

Submissions (4):

Labcorp Genetics (formerly Invitae), Labcorp
Classification: Likely benign. Last evaluated: 2026-01-28. Review status: criteria provided, single submitter. Criteria: Invitae Variant Classification Sherloc (09022015). Collection method: clinical testing. Allele origin: germline.

Blueprint Genetics
Classification: Likely benign. Last evaluated: 2024-08-12. Review status: criteria provided, single submitter. Criteria: ACMG Guidelines, 2015. Collection method: clinical testing. Allele origin: germline.

GeneDx
Classification: Benign. Last evaluated: 2019-06-27. Review status: criteria provided, single submitter. Criteria: GeneDx Variant Classification Process June 2021. Collection method: clinical testing. Allele origin: germline. Affected: yes.

PreventionGenetics, part of Exact Sciences
Classification: Likely benign for SETBP1-related condition. Last evaluated: 2020-06-19. Review status: no assertion criteria provided. Collection method: clinical testing. Allele origin: germline. Not counted in ClinVar's aggregate classification.
Comment: This variant is classified as likely benign based on ACMG/AMP sequence variant interpretation guidelines (Richards et al. 2015 PMID: 25741868, with internal and published modifications).

NM_015559.3(SETBP1):c.1880G>A (p.Arg627His)

Gene: SETBP1 (SET binding protein 1; plus strand). Cytogenetic location: 18q12.3.
Variant type: single nucleotide variant.
Coding change: c.1880G>A on transcript NM_015559.3 (MANE Select); coding-DNA position 1880, G replaced by A.
Protein change: p.Arg627His; replaces arginine 627 with histidine.
Molecular consequence: missense variant.
Genome position (GRCh38, 1-based): chr18:44,951,220, G>A. VCF-style: chr18-44951220-G-A. GRCh37 (hg19) VCF-style: chr18-42531185-G-A.
Other names: short protein forms R627H.
Identifiers: ClinVar variation 703090 (VCV000703090.17), dbSNP rs138819848, ClinGen allele CA8945685.